The following is an entry in ClinVar:

NM_022455.5(NSD1):c.872A>G (p.Asn291Ser)

Gene: NSD1 (nuclear receptor binding SET domain protein 1; plus strand). Cytogenetic location: 5q35.3.
Variant type: single nucleotide variant.
Coding change: c.872A>G on transcript NM_022455.5 (MANE Select); coding-DNA position 872, A replaced by G.
Protein change: p.Asn291Ser; replaces asparagine 291 with serine.
Molecular consequence: missense variant. On other transcripts: 5 prime UTR variant (7).
Genome position (GRCh38, 1-based): chr5:177,135,975, A>G. VCF-style: chr5-177135975-A-G. GRCh37 (hg19) VCF-style: chr5-176562976-A-G.
Other names: c.452A>G, p.Asn151Ser (NM_001409304.1); c.-2A>G (NM_001409305.1, NM_001409306.1, NM_001409307.1 and 4 more transcripts); c.872A>G, p.Asn291Ser (NM_001409301.1, NM_001409302.1, NM_001409303.1); short protein forms N291S, N151S.
Identifiers: ClinVar variation 2136270 (VCV002136270.2), dbSNP rs759980777, ClinGen allele CA362296213.

ClinVar aggregate classification (germline): Uncertain significance. Review status: criteria provided, multiple submitters, no conflicts (2 of 4 stars). 2 submissions from 2 submitters: Uncertain significance (2). Last evaluated 2025-12-01.

Submissions (2):

Labcorp Genetics (formerly Invitae), Labcorp
Classification: Uncertain significance. Last evaluated: 2025-12-01. Review status: criteria provided, single submitter. Criteria: Invitae Variant Classification Sherloc (09022015). Collection method: clinical testing. Allele origin: germline.
Comment: This sequence change replaces asparagine, which is neutral and polar, with serine, which is neutral and polar, at codon 291 of the NSD1 protein (p.Asn291Ser). This variant is not present in population databases (gnomAD no frequency). This variant has not been reported in the literature in individuals affected with NSD1-related conditions. ClinVar contains an entry for this variant (Variation ID: 2136270). Invitae Evidence Modeling of protein sequence and biophysical properties (such as structural, functional, and spatial information, amino acid conservation, physicochemical variation, residue mobility, and thermodynamic stability) indicates that this missense variant is not expected to disrupt NSD1 protein function with a negative predictive value of 95%. In summary, the available evidence is currently insufficient to determine the role of this variant in disease. Therefore, it has been classified as a Variant of Uncertain Significance.

GeneDx
Classification: Uncertain significance. Last evaluated: 2022-07-22. Review status: criteria provided, single submitter. Criteria: GeneDx Variant Classification Process June 2021. Collection method: clinical testing. Allele origin: germline. Affected: yes.
Comment: Not observed at significant frequency in large population cohorts (gnomAD); In silico analysis supports that this missense variant has a deleterious effect on protein structure/function; Has not been previously published as pathogenic or benign to our knowledge